The following is an entry in ClinVar:

NM_001111.5(ADAR):c.3301G>A (p.Val1101Ile)

Gene: ADAR (adenosine deaminase RNA specific; minus strand). Cytogenetic location: 1q21.3.
Variant type: single nucleotide variant.
Coding change: c.3301G>A on transcript NM_001111.5 (MANE Select); coding-DNA position 3301, G replaced by A.
Protein change: p.Val1101Ile; replaces valine 1101 with isoleucine.
Molecular consequence: missense variant.
Genome position (GRCh38, 1-based): chr1:154,585,767, C>T on the plus strand (G>A on the coding strand, the complement: ADAR is on the minus strand). VCF-style: chr1-154585767-C-T. GRCh37 (hg19) VCF-style: chr1-154558243-C-T.
Other names: c.2416G>A, p.Val806Ile (NM_001025107.3, NM_001193495.2, NM_001365046.1 and 2 more transcripts); c.3328G>A, p.Val1110Ile (NM_001365045.1); c.2338G>A, p.Val780Ile (NM_001365049.1); c.3223G>A, p.Val1075Ile (NM_015840.4); c.3166G>A, p.Val1056Ile (NM_015841.4); c.3301G>A (NM_001111.4); short protein forms V1101I, V1110I, V1056I, V1075I, V780I, V806I.
Identifiers: ClinVar variation 2197977 (VCV002197977.6), dbSNP rs2101563031, ClinGen allele CA342635284.

ClinVar aggregate classification (germline): Uncertain significance. Review status: criteria provided, multiple submitters, no conflicts (2 of 4 stars). 3 submissions from 3 submitters: Uncertain significance (3). Last evaluated 2025-08-06.

Conditions:
Symmetrical dyschromatosis of extremities (DSH). Also called: RETICULATE ACROPIGMENTATION OF DOHI; SYMMETRIC DYSCHROMATOSIS OF THE EXTREMITIES; Dyschromatosis symmetrica hereditaria; DYSCHROMATOSIS SYMMETRICA HEREDITARIA 1. Identifiers: Orphanet 41, MedGen C0406775, MONDO:0007483, OMIM 127400.
Aicardi-Goutieres syndrome 6 (AGS6). Identifiers: Orphanet 51, MedGen C3539013, MONDO:0014007, OMIM 615010.

Submissions (3):

Labcorp Genetics (formerly Invitae), Labcorp
Classification: Uncertain significance for Aicardi-Goutieres syndrome 6; Symmetrical dyschromatosis of extremities. Last evaluated: 2025-08-06. Review status: criteria provided, single submitter. Criteria: Invitae Variant Classification Sherloc (09022015). Collection method: clinical testing. Allele origin: germline.
Comment: This sequence change replaces valine, which is neutral and non-polar, with isoleucine, which is neutral and non-polar, at codon 1101 of the ADAR protein (p.Val1101Ile). This variant is not present in population databases (gnomAD no frequency). This variant has not been reported in the literature in individuals affected with ADAR-related conditions. ClinVar contains an entry for this variant (Variation ID: 2197977). Invitae Evidence Modeling of protein sequence and biophysical properties (such as structural, functional, and spatial information, amino acid conservation, physicochemical variation, residue mobility, and thermodynamic stability) indicates that this missense variant is not expected to disrupt ADAR protein function with a negative predictive value of 80%. In summary, the available evidence is currently insufficient to determine the role of this variant in disease. Therefore, it has been classified as a Variant of Uncertain Significance.

Genome-Nilou Lab
Classification: Uncertain significance for Aicardi-Goutieres syndrome 6. Last evaluated: 2023-04-11. Review status: criteria provided, single submitter. Criteria: ACMG Guidelines, 2015. Collection method: clinical testing. Allele origin: germline. Affected: no.

GeneDx
Classification: Uncertain significance. Last evaluated: 2023-01-17. Review status: criteria provided, single submitter. Criteria: GeneDx Variant Classification Process June 2021. Collection method: clinical testing. Allele origin: germline. Affected: yes.
Comment: Not observed at significant frequency in large population cohorts (gnomAD); In silico analysis supports that this missense variant does not alter protein structure/function; Has not been previously published as pathogenic or benign to our knowledge